The following is an entry in ClinVar:

NM_002474.3(MYH11):c.4953+5G>C

Genes: NDE1 (nudE neurodevelopment protein 1; plus strand), MYH11 (myosin heavy chain 11; minus strand). Cytogenetic location: 16p13.11.
Variant type: single nucleotide variant.
Coding change: c.4953+5G>C on transcript NM_002474.3 (MANE Select); 5 bases into the intron after coding-DNA position 4953, G replaced by C.
Molecular consequence: intron variant.
Genome position (GRCh38, 1-based): chr16:15,720,146, C>G on the plus strand (G>C on the coding strand, the complement: MYH11 is on the minus strand). VCF-style: chr16-15720146-C-G. GRCh37 (hg19) VCF-style: chr16-15814003-C-G.
Other names: c.948-4045C>G (NM_001143979.2, NM_017668.3); c.4953+5G>C (NM_022844.3); c.4974+5G>C (NM_001040114.2, NM_001040113.2).
Identifiers: ClinVar variation 3702757 (VCV003702757.2).
Genomic context (GRCh38, chr16:15,720,146, plus strand): 5'-TTCGGTGGCCTGAGGGGAACTGTGCCCTCCCTCCACCCATGCCCCAAGCTCCTAGTGTCA[C>G]CCACCTGCAGTTTGCGTAGCTGCTTGATGGCTTCCTCCCTCCCCTTGATGGCAGAGTCGG-3'

ClinVar aggregate classification (germline): Uncertain significance (1 of 4 stars; one submission).

Conditions:
Aortic aneurysm, familial thoracic 4 (AAT4). Also called: AORTIC ANEURYSM/AORTIC DISSECTION AND PATENT DUCTUS ARTERIOSUS. Identifiers: MedGen C1851504, MONDO:0007568, OMIM 132900.

Submission:

Labcorp Genetics (formerly Invitae), Labcorp
Classification: Uncertain significance for Aortic aneurysm, familial thoracic 4. Last evaluated: 2024-12-23. Review status: criteria provided, single submitter. Criteria: Invitae Variant Classification Sherloc (09022015). Collection method: clinical testing. Allele origin: germline.
Comment: This sequence change falls in intron 35 of the MYH11 gene. It does not directly change the encoded amino acid sequence of the MYH11 protein. It affects a nucleotide within the consensus splice site. This variant is not present in population databases (gnomAD no frequency). This variant has not been reported in the literature in individuals affected with MYH11-related conditions. Variants that disrupt the consensus splice site are a relatively common cause of aberrant splicing (PMID: 17576681, 9536098). Algorithms developed to predict the effect of sequence changes on RNA splicing suggest that this variant is not likely to affect RNA splicing. In summary, the available evidence is currently insufficient to determine the role of this variant in disease. Therefore, it has been classified as a Variant of Uncertain Significance.

Literature cited by the submitters: PubMed 17576681; PubMed 9536098.